The following is an entry in ClinVar:

NM_018006.5(TRMU):c.1223G>T (p.Ser408Ile)

Gene: TRMU (tRNA mitochondrial 2-thiouridylase; plus strand). Cytogenetic location: 22q13.31.
Variant type: single nucleotide variant.
Coding change: c.1223G>T on transcript NM_018006.5 (MANE Select); coding-DNA position 1223, G replaced by T.
Protein change: p.Ser408Ile; replaces serine 408 with isoleucine.
Molecular consequence: missense variant. On other transcripts: 3 prime UTR variant (2), non-coding transcript variant (2).
Genome position (GRCh38, 1-based): chr22:46,356,963, G>T. VCF-style: chr22-46356963-G-T. GRCh37 (hg19) VCF-style: chr22-46752860-G-T.
Other names: c.881G>T, p.Ser294Ile (NM_001282782.2); c.803G>T, p.Ser268Ile (NM_001282783.2); c.*9G>T (NM_001282784.2, NM_001282785.2); short protein forms S268I, S294I, S408I.
Identifiers: ClinVar variation 3359401 (VCV003359401.1).
Genomic context (GRCh38, chr22:46,356,963, plus strand): 5'-CGTCTGCCTACACGCTCCAGAAGGGCCAGCGCAGAGCTGGGATGGCCACTGAGAGCCCCA[G>T]TGACAGCCCAGAAGATGGTCCAGGCCTGAGTCCCTTGCTCTGACAGAGATGGATCTGCTA-3'
Protein context (NP_060476.2, residues 398-418): RRAGMATESP[Ser408Ile]DSPEDGPGLS

ClinVar aggregate classification (germline): Uncertain significance (1 of 4 stars; one submission).

Submission:

GeneDx
Classification: Uncertain significance. Last evaluated: 2023-06-05. Review status: criteria provided, single submitter. Criteria: GeneDx Variant Classification Process June 2021. Collection method: clinical testing. Allele origin: germline. Affected: yes.
Comment: Not observed at significant frequency in large population cohorts (gnomAD); In silico analysis supports that this missense variant does not alter protein structure/function; Has not been previously published as pathogenic or benign to our knowledge